The following is an entry in ClinVar:

ClinVar aggregate classification (germline): Uncertain significance. Review status: criteria provided, multiple submitters, no conflicts (2 of 4 stars). 2 submissions from 2 submitters: Uncertain significance (2). Last evaluated 2026-01-18.

Conditions:
Inborn genetic diseases. Identifiers: MedGen C0950123, MeSH D030342.

Allele frequency attached by ClinVar (database versions not stated): TOPMed below 0.00001.

Submissions (2):

Labcorp Genetics (formerly Invitae), Labcorp
Classification: Uncertain significance. Last evaluated: 2026-01-18. Review status: criteria provided, single submitter. Criteria: Invitae Variant Classification Sherloc (09022015). Collection method: clinical testing. Allele origin: germline.
Comment: This sequence change replaces serine, which is neutral and polar, with alanine, which is neutral and non-polar, at codon 47 of the ETV6 protein (p.Ser47Ala). The frequency data for this variant in the population databases is considered unreliable, as metrics indicate poor data quality at this position in the gnomAD database. This variant has not been reported in the literature in individuals affected with ETV6-related conditions. ClinVar contains an entry for this variant (Variation ID: 2569726). Invitae Evidence Modeling of protein sequence and biophysical properties (such as structural, functional, and spatial information, amino acid conservation, physicochemical variation, residue mobility, and thermodynamic stability) indicates that this missense variant is not expected to disrupt ETV6 protein function with a negative predictive value of 80%. In summary, the available evidence is currently insufficient to determine the role of this variant in disease. Therefore, it has been classified as a Variant of Uncertain Significance.

Ambry Genetics
Classification: Uncertain significance for Inborn genetic diseases. Last evaluated: 2025-02-02. Review status: criteria provided, single submitter. Criteria: Ambry Variant Classification Scheme 2023. Collection method: clinical testing. Allele origin: germline.
Comment: The p.S47A variant (also known as c.139T>G), located in coding exon 2 of the ETV6 gene, results from a T to G substitution at nucleotide position 139. The serine at codon 47 is replaced by alanine, an amino acid with similar properties. This amino acid position is conserved. In addition, this alteration is predicted to be tolerated by in silico analysis. Based on the available evidence, the clinical significance of this variant remains unclear.

NM_001987.5(ETV6):c.139T>G (p.Ser47Ala)

Gene: ETV6 (ETS variant transcription factor 6; plus strand). Cytogenetic location: 12p13.2.
Variant type: single nucleotide variant.
Coding change: c.139T>G on transcript NM_001987.5 (MANE Select); coding-DNA position 139, T replaced by G.
Protein change: p.Ser47Ala; replaces serine 47 with alanine.
Molecular consequence: missense variant. On other transcripts: intron variant (1).
Genome position (GRCh38, 1-based): chr12:11,752,555, T>G. VCF-style: chr12-11752555-T-G. GRCh37 (hg19) VCF-style: chr12-11905489-T-G.
Other names: c.136T>G, p.Ser46Ala (NM_001413913.1); c.112T>G, p.Ser38Ala (NM_001413914.1); c.139T>G, p.Ser47Ala (NM_001413916.1, NM_001413917.1, NM_001413918.1); c.-101-86585T>G (NM_001413915.1); short protein forms S46A, S47A, S38A.
Identifiers: ClinVar variation 2569726 (VCV002569726.4), dbSNP rs781022272, ClinGen allele CA384041832.